The following is an entry in ClinVar:

ClinVar aggregate classification (germline): Uncertain significance (1 of 4 stars; one submission).

Conditions:
Epidermolysis bullosa simplex 5B, with muscular dystrophy (EBS5B). Also called: Epidermolysis bullosa simplex with muscular dystrophy; EPIDERMOLYSIS BULLOSA SIMPLEX AND LIMB-GIRDLE MUSCULAR DYSTROPHY. Identifiers: Orphanet 257, MedGen C2931072, MONDO:0009181, OMIM 226670.
Epidermolysis bullosa simplex, Ogna type (EBS5A). Also called: Pidermolysis bullosa simplex 5A, Ogna type; EPIDERMOLYSIS BULLOSA SIMPLEX 5A, OGNA TYPE. Identifiers: Orphanet 79401, MedGen C0432317, MONDO:0007555, OMIM 131950.
Epidermolysis bullosa simplex with nail dystrophy (EBS5D). Identifiers: MedGen C4225309, MONDO:0014661, OMIM 616487.
Epidermolysis bullosa simplex 5C, with pyloric atresia (EBS5C). Also called: Epidermolysis bullosa simplex with pyloric atresia; PLEC-Related Epidermolysis Bullosa with Pyloric Atresia; PLEC1-Related Epidermolysis Bullosa with Pyloric Atresia. Identifiers: Orphanet 158684, MedGen C2677349, MONDO:0012807, OMIM 612138.
Autosomal recessive limb-girdle muscular dystrophy type 2Q (LGMDR17). Also called: MUSCULAR DYSTROPHY, LIMB-GIRDLE, AUTOSOMAL RECESSIVE 17. Identifiers: Orphanet 254361, MedGen C3150989, MONDO:0013390, OMIM 613723.

Allele frequency attached by ClinVar (database versions not stated): gnomAD exomes below 0.00001 and 0.00001; gnomAD 0.00001; TOPMed 0.00002.
gnomAD v4.1: 19 of 1,587,878 alleles (0.0012%); highest among the groups gnomAD compares: South Asian, 0.0022%; no homozygotes.

Submission:

Labcorp Genetics (formerly Invitae), Labcorp
Classification: Uncertain significance for Autosomal recessive limb-girdle muscular dystrophy type 2Q; Epidermolysis bullosa simplex, Ogna type; Epidermolysis bullosa simplex with nail dystrophy; Epidermolysis bullosa simplex 5C, with pyloric atresia; Epidermolysis bullosa simplex 5B, with muscular dystrophy. Last evaluated: 2025-10-13. Review status: criteria provided, single submitter. Criteria: Invitae Variant Classification Sherloc (09022015). Collection method: clinical testing. Allele origin: germline.
Comment: This sequence change replaces arginine, which is basic and polar, with tryptophan, which is neutral and slightly polar, at codon 1714 of the PLEC protein (p.Arg1714Trp). The frequency data for this variant in the population databases is considered unreliable, as metrics indicate poor data quality at this position in the gnomAD database. This variant has not been reported in the literature in individuals affected with PLEC-related conditions. ClinVar contains an entry for this variant (Variation ID: 1449396). Invitae Evidence Modeling of protein sequence and biophysical properties (such as structural, functional, and spatial information, amino acid conservation, physicochemical variation, residue mobility, and thermodynamic stability) has been performed for this missense variant. However, the output from this modeling did not meet the statistical confidence thresholds required to predict the impact of this variant on PLEC protein function. In summary, the available evidence is currently insufficient to determine the role of this variant in disease. Therefore, it has been classified as a Variant of Uncertain Significance.

NM_201384.3(PLEC):c.5059C>T (p.Arg1687Trp)

Gene: PLEC (plectin; minus strand). Cytogenetic location: 8q24.3.
Variant type: single nucleotide variant.
Coding change: c.5059C>T on transcript NM_201384.3 (MANE Select); coding-DNA position 5059, C replaced by T.
Protein change: p.Arg1687Trp; replaces arginine 1687 with tryptophan.
Molecular consequence: missense variant.
Genome position (GRCh38, 1-based): chr8:143,924,870, G>A on the plus strand (C>T on the coding strand, the complement: PLEC is on the minus strand). VCF-style: chr8-143924870-G-A. GRCh37 (hg19) VCF-style: chr8-144999038-G-A.
Other names: c.5140C>T, p.Arg1714Trp (NM_000445.5); c.5017C>T, p.Arg1673Trp (NM_201378.4); c.4993C>T, p.Arg1665Trp (NM_201379.3); c.5470C>T, p.Arg1824Trp (NM_201380.4); c.4963C>T, p.Arg1655Trp (NM_201381.3); c.5059C>T, p.Arg1687Trp (NM_201382.4); c.5071C>T, p.Arg1691Trp (NM_201383.3); short protein forms R1714W, R1824W, R1655W, R1665W, R1687W, R1673W, R1691W.
Identifiers: ClinVar variation 1449396 (VCV001449396.6), dbSNP rs1177932321, ClinGen allele CA372550064.